The following is an entry in ClinVar:

NM_182925.5(FLT4):c.3862G>C (p.Glu1288Gln)

Gene: FLT4 (fms related receptor tyrosine kinase 4; minus strand). Cytogenetic location: 5q35.3.
Variant type: single nucleotide variant.
Coding change: c.3862G>C on transcript NM_182925.5 (MANE Select); coding-DNA position 3862, G replaced by C.
Protein change: p.Glu1288Gln; replaces glutamic acid 1288 with glutamine.
Molecular consequence: missense variant.
Genome position (GRCh38, 1-based): chr5:180,608,999, C>G on the plus strand (G>C on the coding strand, the complement: FLT4 is on the minus strand). VCF-style: chr5-180608999-C-G. GRCh37 (hg19) VCF-style: chr5-180035999-C-G.
Other names: c.3862G>C, p.Glu1288Gln (NM_001354989.2, NM_002020.5); short protein forms E1288Q.
Identifiers: ClinVar variation 1314540 (VCV001314540.2), dbSNP rs775663376, ClinGen allele CA362497734.

ClinVar aggregate classification (germline): Uncertain significance (1 of 4 stars; one submission).

Submission:

GeneDx
Classification: Uncertain significance. Last evaluated: 2021-04-12. Review status: criteria provided, single submitter. Criteria: GeneDx Variant Classification Process June 2021. Collection method: clinical testing. Allele origin: germline. Affected: yes.
Comment: Not observed in large population cohorts (Lek et al., 2016); In silico analysis supports that this missense variant does not alter protein structure/function; Has not been previously published as pathogenic or benign to our knowledge